The following is an entry in ClinVar:

NM_001363711.2(DUOX2):c.4239+5G>A

Gene: DUOX2 (dual oxidase 2; minus strand). Cytogenetic location: 15q21.1.
Variant type: single nucleotide variant.
Coding change: c.4239+5G>A on transcript NM_001363711.2 (MANE Select); 5 bases into the intron after coding-DNA position 4239, G replaced by A.
Molecular consequence: intron variant.
Genome position (GRCh38, 1-based): chr15:45,095,432, C>T on the plus strand (G>A on the coding strand, the complement: DUOX2 is on the minus strand). VCF-style: chr15-45095432-C-T. GRCh37 (hg19) VCF-style: chr15-45387630-C-T.
Other names: c.4239+5G>A (NM_014080.5).
Identifiers: ClinVar variation 2004356 (VCV002004356.4), dbSNP rs1238715110, ClinGen allele CA2575710301.

ClinVar aggregate classification (germline): Uncertain significance (1 of 4 stars; one submission).

gnomAD v4.1: 6 of 1,614,228 alleles (0.00037%); highest among the groups gnomAD compares: Non-Finnish European, 0.00051%; no homozygotes.

Submission:

Labcorp Genetics (formerly Invitae), Labcorp
Classification: Uncertain significance. Last evaluated: 2022-09-22. Review status: criteria provided, single submitter. Criteria: Invitae Variant Classification Sherloc (09022015). Collection method: clinical testing. Allele origin: germline.
Comment: In summary, the available evidence is currently insufficient to determine the role of this variant in disease. Therefore, it has been classified as a Variant of Uncertain Significance. Variants that disrupt the consensus splice site are a relatively common cause of aberrant splicing (PMID: 17576681, 9536098). Algorithms developed to predict the effect of sequence changes on RNA splicing suggest that this variant may disrupt the consensus splice site. This variant has not been reported in the literature in individuals affected with DUOX2-related conditions. This variant is not present in population databases (gnomAD no frequency). This sequence change falls in intron 31 of the DUOX2 gene. It does not directly change the encoded amino acid sequence of the DUOX2 protein. It affects a nucleotide within the consensus splice site.

Literature cited by the submitters: PubMed 17576681; PubMed 9536098.